The following is an entry in ClinVar:

NM_033310.3(KCNK4):c.5GCA[1] (p.Ser3del)

Genes: KCNK4 (potassium two pore domain channel subfamily K member 4; plus strand), KCNK4-CATSPERZ (KCNK4-CATSPERZ readthrough (NMD candidate); plus strand). Cytogenetic location: 11q13.1.
Variant type: Microsatellite.
Coding change: c.5GCA[1] on transcript NM_033310.3 (MANE Select); one copy of the 3-base unit GCA starting at c.5; the reference has two copies in a row; one copy, 3 bases deleted.
Protein change: p.Ser3del; deletes serine 3.
Molecular consequence: inframe deletion. On other transcripts: non-coding transcript variant (2).
Genome position (GRCh38, 1-based): chr11:64,293,026-64,293,028, GCA deleted; deleting any 3 consecutive bases within chr11:64,293,023-64,293,028 gives the same sequence; the position shown is the placement nearest the transcript's 3' end. VCF-style (leftmost placement, unchanged base first): chr11-64293022-CGCA-C. GRCh37 (hg19) VCF-style: chr11-64060494-CGCA-C.
Other names: c.5GCA[1], p.Ser3del (NM_001317090.2); short protein forms S3del.
Identifiers: ClinVar variation 4740514 (VCV004740514.1).

ClinVar aggregate classification (germline): Uncertain significance (1 of 4 stars; one submission).

Submission:

Labcorp Genetics (formerly Invitae), Labcorp
Classification: Uncertain significance. Last evaluated: 2025-03-12. Review status: criteria provided, single submitter. Criteria: Invitae Variant Classification Sherloc (09022015). Collection method: clinical testing. Allele origin: germline.
Comment: This variant, c.8_10del, results in the deletion of 1 amino acid(s) of the KCNK4 protein (p.Ser3del), but otherwise preserves the integrity of the reading frame. This variant is not present in population databases (gnomAD no frequency). This variant has not been reported in the literature in individuals affected with KCNK4-related conditions. Experimental studies and prediction algorithms are not available or were not evaluated, and the functional significance of this variant is currently unknown. In summary, the available evidence is currently insufficient to determine the role of this variant in disease. Therefore, it has been classified as a Variant of Uncertain Significance.